The following is an entry in ClinVar:

NM_025114.4(CEP290):c.5125C>A (p.Gln1709Lys)

Gene: CEP290 (centrosomal protein 290; minus strand). Cytogenetic location: 12q21.32.
Variant type: single nucleotide variant.
Coding change: c.5125C>A on transcript NM_025114.4 (MANE Select); coding-DNA position 5125, C replaced by A.
Protein change: p.Gln1709Lys; replaces glutamine 1709 with lysine.
Molecular consequence: missense variant.
Genome position (GRCh38, 1-based): chr12:88,080,283, G>T on the plus strand (C>A on the coding strand, the complement: CEP290 is on the minus strand). VCF-style: chr12-88080283-G-T. GRCh37 (hg19) VCF-style: chr12-88474060-G-T.
Other names: short protein forms Q1709K.
Identifiers: ClinVar variation 530921 (VCV000530921.19), dbSNP rs367580207, ClinGen allele CA6711790.
Genomic context (GRCh38, chr12:88,080,283, plus strand): 5'-GTTCTACTAGATTTCTCATTGTAGTTGTTGGAGCTCTTGAATTTGCTTCTTTTTGAGCCT[G>T]AAGTTCAGATTTTAAACACTGTGACTCCTTTTGTGACTGGTCCAGAAGATACTTTAAATC-3'
Protein context (NP_079390.3, residues 1699-1719): KESQCLKSEL[Gln1709Lys]AQKEANSRAP

ClinVar aggregate classification (germline): Uncertain significance. Review status: criteria provided, multiple submitters, no conflicts (2 of 4 stars). 8 submissions from 8 submitters: Uncertain significance (6). 2 of the submissions do not count toward it. Last evaluated 2026-09-24.

Conditions:
Leber congenital amaurosis (LCA). Also called: Leber's amaurosis. Identifiers: Orphanet 65, MedGen C0339527, MeSH D057130, MONDO:0018998.
CEP290-related disorder. Also called: CEP290-related disorders; CEP290-related condition. Identifiers: MedGen CN239314.
Retinal dystrophy. Also called: Inherited retinal dystrophy. Identifiers: Orphanet 71862, MedGen C0854723, MeSH D058499, MONDO:0019118, HP:0000556.
Joubert syndrome 5 (JBTS5). Identifiers: Orphanet 2318, MedGen C1857780, MONDO:0012432, OMIM 610188.
Senior-Loken syndrome 6 (SLSN6). Identifiers: Orphanet 3156, MedGen C1857779, MONDO:0012433, OMIM 610189.
Bardet-Biedl syndrome 14 (BBS14). Identifiers: Orphanet 110, MedGen C2673874, MONDO:0014442, OMIM 615991.
Leber congenital amaurosis 10 (LCA10). Identifiers: Orphanet 65, MedGen C1857821, MONDO:0012723, OMIM 611755.
Meckel syndrome, type 4 (MKS4). Also called: MECKEL-GRUBER SYNDROME, TYPE 4. Identifiers: Orphanet 564, MedGen C1970161, MONDO:0012626, OMIM 611134.
Meckel-Gruber syndrome. Also called: GRUBER SYNDROME; DYSENCEPHALIA SPLANCHNOCYSTICA; Dysencephalia splachnocystica. Identifiers: Orphanet 564, MedGen C0265215, MONDO:0018921.
Joubert syndrome. Also called: JOUBERT-BOLTSHAUSER SYNDROME; Familial aplasia of the vermis. Identifiers: Orphanet 475, MedGen C5979921, MONDO:0018772.
Nephronophthisis. Also called: Juvenile Nephronophthisis. Identifiers: Orphanet 655, MedGen C0687120, MONDO:0019005, HP:0000090.

Allele frequency attached by ClinVar (database versions not stated): gnomAD exomes 0.00001 and 0.00002; ExAC 0.00003; ESP Exome Variant Server 0.00008; TOPMed 0.00009; gnomAD 0.00012 and 0.00013.
gnomAD v4.1: 52 of 1,613,476 alleles (0.0032%); highest among the groups gnomAD compares: African/African-American, 0.051%; no homozygotes.

Submissions (8):

PreventionGenetics, part of Exact Sciences
Classification: Uncertain significance for CEP290-related condition. Last evaluated: 2026-09-24. Review status: criteria provided, single submitter. Criteria: ACMG Guidelines, 2015. Collection method: clinical testing. Allele origin: germline.
Comment: The CEP290 c.5125C>A variant is predicted to result in the amino acid substitution p.Gln1709Lys. To our knowledge, this variant has not been reported in the literature. This variant is reported in 0.037% of alleles in individuals of African descent in gnomAD. At this time, the clinical significance of this variant is uncertain due to the absence of conclusive functional and genetic evidence.

Labcorp Genetics (formerly Invitae), Labcorp
Classification: Uncertain significance for Joubert syndrome; Meckel-Gruber syndrome; Nephronophthisis. Last evaluated: 2026-02-01. Review status: criteria provided, single submitter. Criteria: Invitae Variant Classification Sherloc (09022015). Collection method: clinical testing. Allele origin: germline.
Comment: This sequence change replaces glutamine, which is neutral and polar, with lysine, which is basic and polar, at codon 1709 of the CEP290 protein (p.Gln1709Lys). This variant is present in population databases (rs367580207, gnomAD 0.03%). This variant has not been reported in the literature in individuals affected with CEP290-related conditions. ClinVar contains an entry for this variant (Variation ID: 530921). Invitae Evidence Modeling of protein sequence and biophysical properties (such as structural, functional, and spatial information, amino acid conservation, physicochemical variation, residue mobility, and thermodynamic stability) indicates that this missense variant is not expected to disrupt CEP290 protein function with a negative predictive value of 80%. In summary, the available evidence is currently insufficient to determine the role of this variant in disease. Therefore, it has been classified as a Variant of Uncertain Significance.

Blueprint Genetics
Classification: Uncertain significance. Last evaluated: 2024-07-02. Review status: criteria provided, single submitter. Criteria: ACMG Guidelines, 2015. Collection method: clinical testing. Allele origin: germline.

Fulgent Genetics
Classification: Uncertain significance for Joubert syndrome 5; Senior-Loken syndrome 6; Meckel syndrome, type 4; Leber congenital amaurosis 10; Bardet-Biedl syndrome 14. Last evaluated: 2024-03-07. Review status: criteria provided, single submitter. Criteria: ACMG Guidelines, 2015. Collection method: clinical testing. Allele origin: germline.

GeneDx
Classification: Uncertain significance. Last evaluated: 2019-11-20. Review status: criteria provided, single submitter. Criteria: GeneDx Variant Classification Process June 2021. Collection method: clinical testing. Allele origin: germline. Affected: yes.
Comment: In silico analysis, which includes protein predictors and evolutionary conservation, supports that this variant does not alter protein structure/function; Has not been previously published as pathogenic or benign to our knowledge

Eurofins Ntd Llc (ga)
Classification: Uncertain significance. Last evaluated: 2018-07-03. Review status: criteria provided, single submitter. Criteria: EGL ClinVar v180209 classification definitions. Collection method: clinical testing. Allele origin: germline. Observed: 1 variant allele, 1 heterozygote.

Institute of Human Genetics, Univ. Regensburg, Univ. Regensburg
Classification: Uncertain significance for Retinal dystrophy. Last evaluated: 2022-01-01. Review status: no assertion criteria provided. Criteria: ACMG Guidelines, 2015. Collection method: clinical testing. Allele origin: germline. Affected: yes. Not counted in ClinVar's aggregate classification.

Natera, Inc.
Classification: Uncertain significance for Leber congenital amaurosis. Last evaluated: 2020-04-17. Review status: no assertion criteria provided. Collection method: clinical testing. Allele origin: germline. Not counted in ClinVar's aggregate classification.